The following is an entry in ClinVar:

NM_006393.3(NEBL):c.2497A>G (p.Arg833Gly)

Gene: NEBL (nebulette; minus strand). Cytogenetic location: 10p12.31.
Variant type: single nucleotide variant.
Coding change: c.2497A>G on transcript NM_006393.3 (MANE Select); coding-DNA position 2497, A replaced by G.
Protein change: p.Arg833Gly; replaces arginine 833 with glycine.
Molecular consequence: missense variant.
Genome position (GRCh38, 1-based): chr10:20,812,790, T>C on the plus strand (A>G on the coding strand, the complement: NEBL is on the minus strand). VCF-style: chr10-20812790-T-C. GRCh37 (hg19) VCF-style: chr10-21101719-T-C.
Other names: c.508A>G, p.Arg170Gly (NM_001173484.2, NM_001377322.1, NM_213569.2); c.460A>G, p.Arg154Gly (NM_001377323.1); c.451A>G, p.Arg151Gly (NM_001377324.1); c.442A>G, p.Arg148Gly (NM_001377325.1); c.400A>G, p.Arg134Gly (NM_001377326.1, NM_001377327.1, NM_001377328.1); short protein forms R833G, R148G, R151G, R134G, R154G, R170G.
Identifiers: ClinVar variation 3878613 (VCV003878613.1).

ClinVar aggregate classification (germline): Uncertain significance (1 of 4 stars; one submission).

Submission:

Ambry Genetics
Classification: Uncertain significance. Last evaluated: 2024-12-28. Review status: criteria provided, single submitter. Criteria: Ambry Variant Classification Scheme 2023. Collection method: clinical testing. Allele origin: germline.
Comment: The p.R833G variant (also known as c.2497A>G), located in coding exon 24 of the NEBL gene, results from an A to G substitution at nucleotide position 2497. The arginine at codon 833 is replaced by glycine, an amino acid with dissimilar properties. This amino acid position is conserved. In addition, the in silico prediction for this alteration is inconclusive. Based on the available evidence, the clinical significance of this variant remains unclear.